The following is an entry in ClinVar:

NM_001113491.2(SEPTIN9):c.1081A>G (p.Ile361Val)

Gene: SEPTIN9 (septin 9; plus strand). Cytogenetic location: 17q25.3.
Variant type: single nucleotide variant.
Coding change: c.1081A>G on transcript NM_001113491.2 (MANE Select); coding-DNA position 1081, A replaced by G.
Protein change: p.Ile361Val; replaces isoleucine 361 with valine.
Molecular consequence: missense variant.
Genome position (GRCh38, 1-based): chr17:77,488,278, A>G. VCF-style: chr17-77488278-A-G. GRCh37 (hg19) VCF-style: chr17-75484360-A-G.
Other names: c.589A>G, p.Ile197Val (NM_001113492.2, NM_001113494.1); c.1060A>G, p.Ile354Val (NM_001113493.2); c.328A>G, p.Ile110Val (NM_001113495.2, NM_001113496.2, NM_001293697.2 and 1 more transcripts); c.1024A>G, p.Ile342Val (NM_001293695.2); c.409A>G, p.Ile137Val (NM_001293696.2); c.1027A>G, p.Ile343Val (NM_006640.5); short protein forms I343V, I110V, I342V, I354V, I137V, I197V, I361V.
Identifiers: ClinVar variation 432234 (VCV000432234.6), dbSNP rs1555679524, ClinGen allele CA401208952.

ClinVar aggregate classification (germline): Uncertain significance. Review status: criteria provided, multiple submitters, no conflicts (2 of 4 stars). 4 submissions from 4 submitters: Uncertain significance (4). Last evaluated 2025-08-25.

Conditions:
Inborn genetic diseases. Identifiers: MedGen C0950123, MeSH D030342.

Submissions (4):

Ambry Genetics
Classification: Uncertain significance for Inborn genetic diseases. Last evaluated: 2025-08-25. Review status: criteria provided, single submitter. Criteria: Ambry Variant Classification Scheme 2023. Collection method: clinical testing. Allele origin: germline.

Women's Health and Genetics/Laboratory Corporation of America, LabCorp
Classification: Uncertain significance. Last evaluated: 2024-12-17. Review status: criteria provided, single submitter. Criteria: LabCorp Variant Classification Summary - May 2015. Collection method: clinical testing. Allele origin: germline.
Comment: Variant summary: SEPTIN9 c.1027A>G (p.Ile343Val) results in a conservative amino acid change in the encoded protein sequence. Four of five in-silico tools predict a benign effect of the variant on protein function. The variant was absent in 249130 control chromosomes. The available data on variant occurrences in the general population are insufficient to allow any conclusion about variant significance. To our knowledge, no occurrence of c.1027A>G in individuals affected with Amyotrophic neuralgia and no experimental evidence demonstrating its impact on protein function have been reported. ClinVar contains an entry for this variant (Variation ID: 432234). Based on the evidence outlined above, the variant was classified as uncertain significance.

Labcorp Genetics (formerly Invitae), Labcorp
Classification: Uncertain significance. Last evaluated: 2023-06-01. Review status: criteria provided, single submitter. Criteria: Invitae Variant Classification Sherloc (09022015). Collection method: clinical testing. Allele origin: germline.
Comment: This sequence change replaces isoleucine, which is neutral and non-polar, with valine, which is neutral and non-polar, at codon 343 of the SEPT9 protein (p.Ile343Val). This variant is not present in population databases (gnomAD no frequency). This variant has not been reported in the literature in individuals affected with SEPT9-related conditions. ClinVar contains an entry for this variant (Variation ID: 432234). In summary, the available evidence is currently insufficient to determine the role of this variant in disease. Therefore, it has been classified as a Variant of Uncertain Significance. Advanced modeling of protein sequence and biophysical properties (such as structural, functional, and spatial information, amino acid conservation, physicochemical variation, residue mobility, and thermodynamic stability) performed at Invitae indicates that this missense variant is not expected to disrupt SEPT9 protein function.

GeneDx
Classification: Uncertain significance. Last evaluated: 2016-11-28. Review status: criteria provided, single submitter. Criteria: GeneDx Variant Classification (06012015). Collection method: clinical testing. Allele origin: germline. Affected: yes.
Comment: The I343V variant in the SEPT9 gene has not been reported previously as a pathogenic variant, nor as a benign variant, to our knowledge. The I343V variant was not observed in approximately 6300 individuals of European and African American ancestry in the NHLBI Exome Sequencing Project, indicating it is not a common benign variant in these populations. The I343V variant is a conservative amino acid substitution, which is not likely to impact secondary protein structure as these residues share similar properties. This substitution occurs at a position that is conserved across species. In silico analysis is inconsistent in its predictions as to whether or not the variant is damaging to the protein structure/function. We interpret I343V as a variant of uncertain significance